The following is an entry in ClinVar:

ClinVar aggregate classification (germline): Uncertain significance (1 of 4 stars; one submission).

Conditions:
Autoimmune interstitial lung disease-arthritis syndrome. Also called: Autoinflammation and autoimmunity, systemic, with immune dysregulation. Identifiers: Orphanet 444092, MedGen C5975714, MONDO:0014629.

Allele frequency attached by ClinVar (database versions not stated): gnomAD exomes below 0.00001.
gnomAD v4.1: 4 of 1,614,096 alleles (0.00025%); highest among the groups gnomAD compares: Non-Finnish European, 0.00025%; no homozygotes.

Submission:

Labcorp Genetics (formerly Invitae), Labcorp
Classification: Uncertain significance for Autoimmune interstitial lung disease-arthritis syndrome. Last evaluated: 2022-03-24. Review status: criteria provided, single submitter. Criteria: Invitae Variant Classification Sherloc (09022015). Collection method: clinical testing. Allele origin: germline.
Comment: This variant has not been reported in the literature in individuals affected with COPA-related conditions. This variant is present in population databases (no rsID available, gnomAD 0.004%). This sequence change replaces arginine, which is basic and polar, with histidine, which is basic and polar, at codon 1106 of the COPA protein (p.Arg1106His). Algorithms developed to predict the effect of missense changes on protein structure and function are either unavailable or do not agree on the potential impact of this missense change (SIFT: "Deleterious"; PolyPhen-2: "Possibly Damaging"; Align-GVGD: "Class C0"). In summary, the available evidence is currently insufficient to determine the role of this variant in disease. Therefore, it has been classified as a Variant of Uncertain Significance.

NM_004371.4(COPA):c.3317G>A (p.Arg1106His)

Gene: COPA (coat protein complex I subunit alpha; minus strand). Cytogenetic location: 1q23.2.
Variant type: single nucleotide variant.
Coding change: c.3317G>A on transcript NM_004371.4 (MANE Select); coding-DNA position 3317, G replaced by A.
Protein change: p.Arg1106His; replaces arginine 1106 with histidine.
Molecular consequence: missense variant.
Genome position (GRCh38, 1-based): chr1:160,291,438, C>T on the plus strand (G>A on the coding strand, the complement: COPA is on the minus strand). VCF-style: chr1-160291438-C-T. GRCh37 (hg19) VCF-style: chr1-160261228-C-T.
Other names: c.3344G>A, p.Arg1115His (NM_001098398.2); short protein forms R1106H, R1115H.
Identifiers: ClinVar variation 2116529 (VCV002116529.4), dbSNP rs1259718803, ClinGen allele CA343271268.
Genomic context (GRCh38, chr1:160,291,438, plus strand): 5'-CGAGCAAAGGTGGCAGCTGTCTTGAAGTTCTTGAGCTTGAAGAACAGATTGAGGGCTGTA[C>T]GCAGCACCAGGATCATGTGCACAGGCTGCAGGTTTGAGTGGGTGAAATAGGCTGCCATCT-3'
Protein context (NP_004362.2, residues 1096-1116): LQPVHMILVL[Arg1106His]TALNLFFKLK